The following is an entry in ClinVar:

NM_005654.6(NR2F1):c.1A>C (p.Met1Leu)

Genes: NR2F1 (nuclear receptor subfamily 2 group F member 1; plus strand), NR2F1-AS1 (NR2F1 antisense RNA 1; minus strand). Cytogenetic location: 5q15.
Variant type: single nucleotide variant.
Coding change: c.1A>C on transcript NM_005654.6 (MANE Select); coding-DNA position 1, A replaced by C.
Protein change: p.Met1Leu; changes the start codon (methionine 1).
Molecular consequence: missense variant, initiator codon variant.
Genome position (GRCh38, 1-based): chr5:93,585,024, A>C. VCF-style: chr5-93585024-A-C. GRCh37 (hg19) VCF-style: chr5-92920730-A-C.
Other names: short protein forms M1L.
Identifiers: ClinVar variation 1700379 (VCV001700379.3), dbSNP rs1064796799, ClinGen allele CA360525304.

ClinVar aggregate classification (germline): Pathogenic (1 of 4 stars; one submission).

Submission:

GeneDx
Classification: Pathogenic. Last evaluated: 2022-08-05. Review status: criteria provided, single submitter. Criteria: GeneDx Variant Classification Process June 2021. Collection method: clinical testing. Allele origin: germline. Affected: yes.
Comment: Initiation codon variant in a gene for which loss-of-function is a known mechanism of disease; Not observed at significant frequency in large population cohorts (gnomAD); Has not been previously published as pathogenic or benign to our knowledge